The following is an entry in ClinVar:

ClinVar aggregate classification (germline): Pathogenic (1 of 4 stars; one submission).

Submission:

GeneDx
Classification: Pathogenic. Last evaluated: 2015-10-08. Review status: criteria provided, single submitter. Criteria: GeneDx Variant Classification (06012015). Collection method: clinical testing. Allele origin: germline. Affected: yes.
Comment: The c.994delG pathogenic variant in the COL17A1 gene has not been reported previously as a pathogenic variant nor as a benign variant, to our knowledge, although numerous other frame shift variants have been reported in the COL17A1 gene. It causes a frameshift starting with codon Valine 332, changes this amino acid to a Cysteine's residue, and creates a premature Stop codon at position 14 of the new reading frame, denoted p.Val332CysfsX14. This deletion is predicted to cause loss of normal protein function either through protein truncation or nonsense-mediated mRNA decay. In addition, the c.994delG deletion was not observed in approximately 6,500 individuals of European and African American ancestry in the NHLBI Exome Sequencing Project, indicating it is not a common benign variant in these populations. We interpret c.994delG as a pathogenic variant.

NM_000494.4(COL17A1):c.994del (p.Val332fs)

Gene: COL17A1 (collagen type XVII alpha 1 chain; minus strand). Cytogenetic location: 10q25.1.
Variant type: Deletion.
Coding change: c.994del on transcript NM_000494.4 (MANE Select); coding-DNA position 994, one base deleted (G; older notation c.994delG).
Protein change: p.Val332fs; shifts the reading frame from valine 332.
Molecular consequence: frameshift variant.
Genome position (GRCh38, 1-based): chr10:104,060,266, C deleted on the plus strand (G on the coding strand, the reverse complement: COL17A1 is on the minus strand). VCF-style (leftmost placement, unchanged base first): chr10-104060265-AC-A. GRCh37 (hg19) VCF-style: chr10-105820023-AC-A.
Other names: c.994del, p.Val332fs (LRG_1249t1); short protein forms V332fs.
Identifiers: ClinVar variation 430046 (VCV000430046.2), dbSNP rs1131691753, ClinGen allele CA645369426.